The following is an entry in ClinVar:

ClinVar aggregate classification (germline): Uncertain significance (1 of 4 stars; one submission).

Conditions:
Nemaline myopathy 5 (NEM5A). Also called: NEMALINE MYOPATHY, AMISH TYPE; Nemaline myopathy 5, Amish type; NEMALINE MYOPATHY 5A, AUTOSOMAL RECESSIVE, SEVERE INFANTILE. Identifiers: Orphanet 98902, MedGen C1854380, MONDO:0011539, OMIM 605355.

Allele frequency attached by ClinVar (database versions not stated): gnomAD exomes below 0.00001; gnomAD 0.00001; TOPMed 0.00001.
gnomAD v4.1: 6 of 1,613,218 alleles (0.00037%); highest among the groups gnomAD compares: Non-Finnish European, 0.00051%; no homozygotes.

Submissions (2):

Labcorp Genetics (formerly Invitae), Labcorp
Classification: Uncertain significance for Nemaline myopathy 5. Last evaluated: 2024-07-12. Review status: criteria provided, single submitter. Criteria: Invitae Variant Classification Sherloc (09022015). Collection method: clinical testing. Allele origin: germline.
Comment: This sequence change affects codon 129 of the TNNT1 mRNA. It is a 'silent' change, meaning that it does not change the encoded amino acid sequence of the TNNT1 protein. This variant also falls at the last nucleotide of exon 9, which is part of the consensus splice site for this exon. This variant is present in population databases (no rsID available, gnomAD 0.004%). This variant has not been reported in the literature in individuals affected with TNNT1-related conditions. ClinVar contains an entry for this variant (Variation ID: 660185). Variants that disrupt the consensus splice site are a relatively common cause of aberrant splicing (PMID: 17576681, 9536098). Algorithms developed to predict the effect of sequence changes on RNA splicing suggest that this variant may disrupt the consensus splice site. In summary, the available evidence is currently insufficient to determine the role of this variant in disease. Therefore, it has been classified as a Variant of Uncertain Significance.

Dr. Peter K. Rogan Lab, Western University
No classification provided (evidence only). Condition: Malignant tumor of urinary bladder. Review status: no classification provided. Collection method: in vitro. Allele origin: not applicable. Functional consequence: skipped exon. Not counted in ClinVar's aggregate classification.

Literature cited by the submitters: PubMed 17576681 (cited by Labcorp Genetics (formerly Invitae), Labcorp); PubMed 9536098 (cited by Labcorp Genetics (formerly Invitae), Labcorp).

NM_003283.6(TNNT1):c.387G>A (p.Ala129=)

Gene: TNNT1 (troponin T1, slow skeletal type; minus strand). Cytogenetic location: 19q13.42.
Variant type: single nucleotide variant.
Coding change: c.387G>A on transcript NM_003283.6 (MANE Select); coding-DNA position 387, G replaced by A.
Protein change: p.Ala129=; no amino-acid change (alanine 129 retained).
Molecular consequence: synonymous variant.
Genome position (GRCh38, 1-based): chr19:55,140,883, C>T on the plus strand (G>A on the coding strand, the complement: TNNT1 is on the minus strand). VCF-style: chr19-55140883-C-T. GRCh37 (hg19) VCF-style: chr19-55652251-C-T.
Other names: c.387G>A, p.Ala129= (NM_001126132.3); c.354G>A, p.Ala118= (NM_001126133.3, NM_001291774.2).
Identifiers: ClinVar variation 660185 (VCV000660185.7), dbSNP rs1415980730, ClinGen allele CA508989105.